The following is an entry in ClinVar:

ClinVar aggregate classification (germline): Uncertain significance (1 of 4 stars; one submission).

Conditions:
Monocytopenia with susceptibility to infections. Also called: MONOCYTOPENIA AND MYCOBACTERIAL INFECTION SYNDROME; MONOCYTOPENIA WITH SUSCEPTIBILITY TO MYCOBACTERIAL, FUNGAL, AND PAPILLOMAVIRUS INFECTIONS AND MYELODYSPLASIA; COMBINED IMMUNODEFICIENCY WITH SUSCEPTIBILITY TO MYCOBACTERIAL, VIRAL, AND FUNGAL INFECTIONS; Dendritic cell, monocyte, B lymphocyte, and natural killer lymphocyte deficiency; IMMUNODEFICIENCY 21; GATA2 DEFICIENCY. Identifiers: Orphanet 228423, MedGen C3280030, MONDO:0013607, OMIM 614172.
Deafness-lymphedema-leukemia syndrome. Also called: Lymphedema, primary, with myelodysplasia; Emberger syndrome. Identifiers: Orphanet 3226, MedGen C3279664, MONDO:0013540, OMIM 614038.

Submission:

Labcorp Genetics (formerly Invitae), Labcorp
Classification: Uncertain significance for Monocytopenia with susceptibility to infections; Deafness-lymphedema-leukemia syndrome. Last evaluated: 2022-07-06. Review status: criteria provided, single submitter. Criteria: Invitae Variant Classification Sherloc (09022015). Collection method: clinical testing. Allele origin: germline.
Comment: This variant, c.967_969del, results in the deletion of 1 amino acid(s) of the GATA2 protein (p.His323del), but otherwise preserves the integrity of the reading frame. This variant is not present in population databases (gnomAD no frequency). This variant has not been reported in the literature in individuals affected with GATA2-related conditions. Experimental studies and prediction algorithms are not available or were not evaluated, and the functional significance of this variant is currently unknown. In summary, the available evidence is currently insufficient to determine the role of this variant in disease. Therefore, it has been classified as a Variant of Uncertain Significance.

NM_032638.5(GATA2):c.967_969del (p.His323del)

Gene: GATA2 (GATA binding protein 2; minus strand). Cytogenetic location: 3q21.3.
Variant type: Deletion.
Coding change: c.967_969del on transcript NM_032638.5 (MANE Select); coding-DNA positions 967 to 969, 3 bases deleted (CAC; older notation c.967_969delCAC).
Protein change: p.His323del; deletes histidine 323.
Molecular consequence: inframe deletion.
Genome position (GRCh38, 1-based): chr3:128,483,908-128,483,910, GTG deleted on the plus strand (CAC on the coding strand, the reverse complement: GATA2 is on the minus strand); deleting any 3 consecutive bases within chr3:128,483,908-128,483,912 gives the same sequence; the c. name uses the placement nearest the transcript's 3' end. VCF-style (leftmost placement, unchanged base first): chr3-128483907-TGTG-T. GRCh37 (hg19) VCF-style: chr3-128202750-TGTG-T.
Other names: c.967_969del, p.His323del (NM_001145661.2, NM_001145662.1); short protein forms H323del.
Identifiers: ClinVar variation 2014541 (VCV002014541.4), dbSNP rs2472924661, ClinGen allele CA1139655050.